The following is an entry in ClinVar:

NM_003737.4(DCHS1):c.5035+2T>A

Gene: DCHS1 (dachsous cadherin-related 1; minus strand). Cytogenetic location: 11p15.4.
Variant type: single nucleotide variant.
Coding change: c.5035+2T>A on transcript NM_003737.4 (MANE Select); the canonical splice donor site of the intron after coding-DNA position 5035, T replaced by A.
Molecular consequence: splice donor variant.
Genome position (GRCh38, 1-based): chr11:6,629,670, A>T on the plus strand (T>A on the coding strand, the complement: DCHS1 is on the minus strand). VCF-style: chr11-6629670-A-T. GRCh37 (hg19) VCF-style: chr11-6650901-A-T.
Identifiers: ClinVar variation 3649954 (VCV003649954.2).
Genomic context (GRCh38, chr11:6,629,670, plus strand): 5'-GGTAAAAATGCTGTTTCTTGCCCCAGTCCATCCCACTCATAATTCACCCCCCCAGGTCTT[A>T]CCCACGTCGGGGTCGGTTGCTCGCAGGGTGAGCAGAGATGTGCCAGGAGGGTTGTTCTCA-3'

ClinVar aggregate classification (germline): Likely pathogenic (1 of 4 stars; one submission).

Submission:

Labcorp Genetics (formerly Invitae), Labcorp
Classification: Likely pathogenic. Last evaluated: 2024-04-15. Review status: criteria provided, single submitter. Criteria: Invitae Variant Classification Sherloc (09022015). Collection method: clinical testing. Allele origin: germline.
Comment: This sequence change affects a donor splice site in intron 11 of the DCHS1 gene. It is expected to disrupt RNA splicing. Variants that disrupt the donor or acceptor splice site typically lead to a loss of protein function (PMID: 16199547), and loss-of-function variants in DCHS1 are known to be pathogenic (PMID: 24056717, 26258302). This variant is not present in population databases (gnomAD no frequency). This variant has not been reported in the literature in individuals affected with DCHS1-related conditions. Algorithms developed to predict the effect of sequence changes on RNA splicing suggest that this variant may disrupt the consensus splice site. In summary, the currently available evidence indicates that the variant is pathogenic, but additional data are needed to prove that conclusively. Therefore, this variant has been classified as Likely Pathogenic.

Literature cited by the submitters: PubMed 16199547; PubMed 24056717; PubMed 26258302.